The following is an entry in ClinVar:

ClinVar aggregate classification (germline): Uncertain significance (1 of 4 stars; one submission).

Conditions:
Inborn genetic diseases. Identifiers: MedGen C0950123, MeSH D030342.

Submission:

Ambry Genetics
Classification: Uncertain significance for Inborn genetic diseases. Last evaluated: 2026-02-22. Review status: criteria provided, single submitter. Criteria: Ambry Variant Classification Scheme 2023. Collection method: clinical testing. Allele origin: germline.
Comment: The p.C1527R variant (also known as c.4579T>C), located in coding exon 13 of the ASXL1 gene, results from a T to C substitution at nucleotide position 4579. The cysteine at codon 1527 is replaced by arginine, an amino acid with highly dissimilar properties. This amino acid position is conserved. In addition, this alteration is predicted to be deleterious by in silico analysis. Based on the available evidence, the clinical significance of this variant remains unclear.

NM_015338.6(ASXL1):c.4579T>C (p.Cys1527Arg)

Gene: ASXL1 (ASXL transcriptional regulator 1; plus strand). Cytogenetic location: 20q11.21.
Variant type: single nucleotide variant.
Coding change: c.4579T>C on transcript NM_015338.6 (MANE Select); coding-DNA position 4579, T replaced by C.
Protein change: p.Cys1527Arg; replaces cysteine 1527 with arginine.
Molecular consequence: missense variant.
Genome position (GRCh38, 1-based): chr20:32,437,291, T>C. VCF-style: chr20-32437291-T-C. GRCh37 (hg19) VCF-style: chr20-31025094-T-C.
Other names: c.4396T>C, p.Cys1466Arg (NM_001363734.1); short protein forms C1527R, C1466R.
Identifiers: ClinVar variation 4825247 (VCV004825247.1).